The following is an entry in ClinVar:

ClinVar aggregate classification (germline): Uncertain significance (1 of 4 stars; one submission).

Allele frequency attached by ClinVar (database versions not stated): TOPMed 0.00001.

Submission:

GeneDx
Classification: Uncertain significance. Last evaluated: 2025-03-03. Review status: criteria provided, single submitter. Criteria: GeneDx Variant Classification Process June 2021. Collection method: clinical testing. Allele origin: germline. Affected: yes.
Comment: Not observed at significant frequency in large population cohorts (gnomAD); In silico analysis supports that this missense variant has a deleterious effect on protein structure/function; Has not been previously published as pathogenic or benign to our knowledge

NM_001385012.1(NBEA):c.2728C>G (p.Gln910Glu)

Gene: NBEA (neurobeachin; plus strand). Cytogenetic location: 13q13.3.
Variant type: single nucleotide variant.
Coding change: c.2728C>G on transcript NM_001385012.1 (MANE Select); coding-DNA position 2728, C replaced by G.
Protein change: p.Gln910Glu; replaces glutamine 910 with glutamic acid.
Molecular consequence: missense variant.
Genome position (GRCh38, 1-based): chr13:35,157,154, C>G. VCF-style: chr13-35157154-C-G. GRCh37 (hg19) VCF-style: chr13-35731291-C-G.
Other names: c.2728C>G, p.Gln910Glu (NM_001379245.1, NM_015678.5); short protein forms Q910E.
Identifiers: ClinVar variation 2571998 (VCV002571998.2), dbSNP rs1307504266, ClinGen allele CA387835534.
Genomic context (GRCh38, chr13:35,157,154, plus strand): 5'-TCAGTGTGGCAGGATTGGATGTTTTCTCTTGGCTATATCAATCCTAAAAATTCTGAGGAA[C>G]AGAAGATTACCGAAATGGTCTACAATATCTTCCGGATTCTTTTGTATCATGCAATAAAAT-3'
Protein context (NP_001371941.1, residues 900-920): GYINPKNSEE[Gln910Glu]KITEMVYNIF